The following is an entry in ClinVar:

ClinVar aggregate classification (germline): Uncertain significance (1 of 4 stars; one submission).

Conditions:
Dyskeratosis congenita, X-linked (DKCX). Also called: Zinsser-Cole-Engman Syndrome. Identifiers: MedGen C1148551, MONDO:0010584, OMIM 305000.
Cataracts, hearing impairment, nephrotic syndrome, and enterocolitis 1 (CHINE1). Identifiers: MedGen C5829571, MONDO:0958178, OMIM 301108.

Submission:

Juno Genomics, Hangzhou Juno Genomics, Inc
Classification: Uncertain significance for Cataracts, hearing impairment, nephrotic syndrome, and enterocolitis 1; Dyskeratosis congenita, X-linked. Review status: criteria provided, single submitter. Criteria: ACMG Guidelines, 2015. Collection method: clinical testing. Allele origin: germline.
Comment: Absent from controls (or at extremely low frequency if recessive) in Genome Aggregation Database.;Multiple lines of computational evidence support a deleterious effect on the gene or gene product.;Missense variant in a gene that has a low rate of benign missense variation.

NM_001363.5(DKC1):c.899T>C (p.Val300Ala)

Gene: DKC1 (dyskerin pseudouridine synthase 1; plus strand). Cytogenetic location: Xq28.
Variant type: single nucleotide variant.
Coding change: c.899T>C on transcript NM_001363.5 (MANE Select); coding-DNA position 899, T replaced by C.
Protein change: p.Val300Ala; replaces valine 300 with alanine.
Molecular consequence: missense variant. On other transcripts: non-coding transcript variant (3).
Genome position (GRCh38, 1-based): chrX:154,769,294, T>C. VCF-style: chrX-154769294-T-C. GRCh37 (hg19) VCF-style: chrX-153997569-T-C.
Other names: c.899T>C, p.Val300Ala (NM_001142463.3, NM_001288747.2); short protein forms V300A.
Identifiers: ClinVar variation 5019748 (VCV005019748.2).